The following is an entry in ClinVar:

ClinVar aggregate classification (germline): Conflicting classifications of pathogenicity. Review status: criteria provided, conflicting classifications (1 of 4 stars). 3 submissions from 3 submitters: Uncertain significance (2); Benign (1). Last evaluated 2024-11-13.

Conditions:
Inborn genetic diseases. Identifiers: MedGen C0950123, MeSH D030342.

Allele frequency attached by ClinVar (database versions not stated): ESP Exome Variant Server 0.00054; ExAC 0.00065; gnomAD exomes 0.00075; 1000 Genomes Project 30x 0.00078; gnomAD 0.00078; TOPMed 0.00085; 1000 Genomes Project 0.00100.
gnomAD v4.1: 1,207 of 1,613,936 alleles (0.075%); highest among the groups gnomAD compares: Admixed American, 0.13%; 1 homozygote.

Submissions (3):

Blueprint Genetics
Classification: Uncertain significance. Last evaluated: 2024-11-13. Review status: criteria provided, single submitter. Criteria: ACMG Guidelines, 2015. Collection method: clinical testing. Allele origin: germline.

Mayo Clinic Laboratories, Mayo Clinic
Classification: Benign. Last evaluated: 2024-03-27. Review status: criteria provided, single submitter. Criteria: ACMG Guidelines, 2015. Collection method: clinical testing. Allele origin: germline. Observed: 2 variant alleles.
Comment: BS1, BS2

Ambry Genetics
Classification: Uncertain significance for Inborn genetic diseases. Last evaluated: 2021-07-09. Review status: criteria provided, single submitter. Criteria: Ambry Variant Classification Scheme 2023. Collection method: clinical testing. Allele origin: germline.

NM_002465.4(MYBPC1):c.1756C>T (p.Arg586Trp)

Gene: MYBPC1 (myosin binding protein C1; plus strand). Cytogenetic location: 12q23.2.
Variant type: single nucleotide variant.
Coding change: c.1756C>T on transcript NM_002465.4 (MANE Select); coding-DNA position 1756, C replaced by T.
Protein change: p.Arg586Trp; replaces arginine 586 with tryptophan.
Molecular consequence: missense variant.
Genome position (GRCh38, 1-based): chr12:101,653,237, C>T. VCF-style: chr12-101653237-C-T. GRCh37 (hg19) VCF-style: chr12-102047015-C-T.
Other names: p.Arg586Trp; c.1681C>T, p.Arg561Trp (NM_001254718.3, NM_001254719.3, NM_206820.4 and 1 more transcripts); c.1645C>T, p.Arg549Trp (NM_001254720.3); c.1624C>T, p.Arg542Trp (NM_001254721.3, NM_001404676.1, NM_001404678.1); c.1603C>T, p.Arg535Trp (NM_001254722.3, NM_001404680.1); c.1642C>T, p.Arg548Trp (NM_001254723.3); c.1756C>T, p.Arg586Trp (NM_001404675.1, NM_206819.4); c.1546C>T, p.Arg516Trp (NM_001404677.1, NM_001404679.1, NM_001404681.1); short protein forms R516W, R535W, R549W, R561W, R548W, R586W, R542W.
Identifiers: ClinVar variation 2384012 (VCV002384012.4), dbSNP rs12146878, ClinGen allele CA6744866.